The following is an entry in ClinVar:

ClinVar aggregate classification (germline): Uncertain significance. Review status: criteria provided, multiple submitters, no conflicts (2 of 4 stars). 8 submissions from 8 submitters: Uncertain significance (8). Last evaluated 2025-10-27.

Conditions:
Gastrointestinal stromal tumor. Also called: Gastrointestinal stroma tumor; Gastrointestinal stromal tumor, somatic. Identifiers: Orphanet 44890, MedGen C0238198, MeSH D046152, MONDO:0011719, OMIM 606764, HP:0100723.
Hereditary pheochromocytoma and paraganglioma. Also called: Hereditary Paraganglioma-Pheochromocytoma Syndromes; Hereditary pheochromocytoma-paraganglioma; Hereditary paragangliomas and pheochromocytomas. Identifiers: Orphanet 29072, MedGen C4274332, MONDO:0017366.
Pheochromocytoma/paraganglioma syndrome 4. Also called: PARAGANGLIOMA, FAMILIAL MALIGNANT; PARAGANGLIOMAS, HEREDITARY EXTRAADRENAL; PHEOCHROMOCYTOMA, FAMILIAL EXTRAADRENAL; Paragangliomas 4; CAROTID BODY TUMORS AND MULTIPLE EXTRAADRENAL PHEOCHROMOCYTOMAS; SDHB-Related Hereditary Paraganglioma-Pheochromocytoma Syndrome (Paragangliomas 4). Identifiers: Orphanet 29072, MedGen C1861848, MONDO:0007273, OMIM 115310.
Pheochromocytoma. Also called: MAX-Related Hereditary Paraganglioma-Pheochromocytoma Syndrome. Identifiers: Orphanet 29072, MedGen C0031511, MONDO:0008233, OMIM 171300, HP:0002666.
Hereditary cancer-predisposing syndrome. Also called: Neoplastic Syndromes, Hereditary; Hereditary Cancer Syndrome; Hereditary neoplastic syndrome; Tumor predisposition. Identifiers: Orphanet 140162, MedGen C0027672, MeSH D009386, MONDO:0015356.

Allele frequency attached by ClinVar (database versions not stated): ExAC 0.00002; gnomAD exomes 0.00002; TOPMed 0.00006; ESP Exome Variant Server 0.00008.
gnomAD v4.1: 10 of 1,584,240 alleles (0.00063%); highest among the groups gnomAD compares: South Asian, 0.0011%; no homozygotes.

Submissions (8):

Labcorp Genetics (formerly Invitae), Labcorp
Classification: Uncertain significance for Gastrointestinal stromal tumor; Pheochromocytoma/paraganglioma syndrome 4; Pheochromocytoma. Last evaluated: 2025-10-27. Review status: criteria provided, single submitter. Criteria: Invitae Variant Classification Sherloc (09022015). Collection method: clinical testing. Allele origin: germline.
Comment: This sequence change replaces arginine, which is basic and polar, with cysteine, which is neutral and slightly polar, at codon 177 of the SDHB protein (p.Arg177Cys). This variant is present in population databases (rs149091125, gnomAD 0.004%). This variant has not been reported in the literature in individuals affected with SDHB-related conditions. ClinVar contains an entry for this variant (Variation ID: 412469). Invitae Evidence Modeling of protein sequence and biophysical properties (such as structural, functional, and spatial information, amino acid conservation, physicochemical variation, residue mobility, and thermodynamic stability) indicates that this missense variant is expected to disrupt SDHB protein function with a positive predictive value of 80%. RNA analysis performed to evaluate the impact of this missense change on mRNA splicing indicates it does not significantly alter splicing (internal data). In summary, the available evidence is currently insufficient to determine the role of this variant in disease. Therefore, it has been classified as a Variant of Uncertain Significance.

Ambry Genetics
Classification: Uncertain significance for Hereditary cancer-predisposing syndrome. Last evaluated: 2025-01-17. Review status: criteria provided, single submitter. Criteria: Ambry Variant Classification Scheme 2023. Collection method: clinical testing. Allele origin: germline.
Comment: The p.R177C variant (also known as c.529C>T), located in coding exon 5 of the SDHB gene, results from a C to T substitution at nucleotide position 529. The arginine at codon 177 is replaced by cysteine, an amino acid with highly dissimilar properties. Alterations at the same codon, p.R177G and p.R177H, have been reported in individuals diagnosed with paraganglioma or pheochromocytoma (von Dobschuetz E et al. Endocr. Relat. Cancer, 2015 Apr;22:191-204; Fishbein L et al. Ann. Surg. Oncol., 2013 May;20:1444-50; Michaowska I et al. Neuroendocrinology, 2015 Mar;101:321-30). However, functional studies of the p.R177H variant demonstrate only a mildly impaired phenotype using a yeast model (Panizza E et al. Hum. Mol. Genet., 2013 Feb;22:804-15). This amino acid position is highly conserved in available vertebrate species. In addition, p.R177C is predicted to be deleterious by in silico analysis. Since supporting evidence is limited at this time, the clinical significance of this alteration remains unclear.

All of Us Research Program, National Institutes of Health
Classification: Uncertain significance for Hereditary pheochromocytoma and paraganglioma. Last evaluated: 2024-09-23. Review status: criteria provided, single submitter. Criteria: ACMG Guidelines, 2015. Collection method: clinical testing. Allele origin: germline. Inheritance: Autosomal dominant inheritance. Observed: 6 variant alleles, 6 heterozygotes.
Comment: This missense variant replaces arginine with cysteine at codon 177 of the SDHB protein. Computational prediction suggests that this variant may have deleterious impact on protein structure and function (internally defined REVEL score threshold >= 0.7, PMID: 27666373). To our knowledge, functional studies have not been reported for this variant. This variant has not been reported in individuals affected with SDHB-related disorders in the literature. This variant has been identified in 5/251376 chromosomes in the general population by the Genome Aggregation Database (gnomAD). The available evidence is insufficient to determine the role of this variant in disease conclusively. Therefore, this variant is classified as a Variant of Uncertain Significance.

This study involves interpretation of variants in research participants for the purpose of population health screening. Participant phenotype was not available at the time of variant classification. Additional details can be found in publication PMID: 35346344, PMCID: PMC8962531

GeneDx
Classification: Uncertain significance. Last evaluated: 2024-06-25. Review status: criteria provided, single submitter. Criteria: GeneDx Variant Classification Process June 2021. Collection method: clinical testing. Allele origin: germline. Affected: yes.
Comment: Not observed at significant frequency in large population cohorts (gnomAD); In silico analysis supports that this missense variant has a deleterious effect on protein structure/function; Has not been previously published as pathogenic or benign to our knowledge; In silico analysis suggests this variant may impact gene splicing. In the absence of RNA/functional studies, the actual effect of this sequence change is unknown.

Color Diagnostics, LLC DBA Color Health
Classification: Uncertain significance for Hereditary pheochromocytoma and paraganglioma. Last evaluated: 2024-06-04. Review status: criteria provided, single submitter. Criteria: ACMG Guidelines, 2015. Collection method: clinical testing. Allele origin: germline.
Comment: This missense variant replaces arginine with cysteine at codon 177 of the SDHB protein. Computational prediction suggests that this variant may have deleterious impact on protein structure and function. To our knowledge, functional studies have not been reported for this variant. This variant has not been reported in individuals affected with SDHB-related disorders in the literature. This variant has been identified in 5/251376 chromosomes in the general population by the Genome Aggregation Database (gnomAD). The available evidence is insufficient to determine the role of this variant in disease conclusively. Therefore, this variant is classified as a Variant of Uncertain Significance.

Quest Diagnostics Nichols Institute San Juan Capistrano
Classification: Uncertain significance. Last evaluated: 2024-04-15. Review status: criteria provided, single submitter. Criteria: Quest Diagnostics criteria. Collection method: clinical testing. Allele origin: unknown.

Baylor Genetics
Classification: Uncertain significance for Gastrointestinal stromal tumor. Last evaluated: 2023-12-26. Review status: criteria provided, single submitter. Criteria: ACMG Guidelines, 2015. Collection method: clinical testing. Allele origin: unknown.

ARUP Laboratories, Molecular Genetics and Genomics, ARUP Laboratories
Classification: Uncertain significance. Last evaluated: 2018-02-08. Review status: criteria provided, single submitter. Criteria: ARUP Molecular Germline Variant Investigation Process. Collection method: clinical testing. Allele origin: germline.
Comment: The SDHB c.529C>T; p.Arg177Cys variant (rs149091125), to our knowledge, is not reported in the medical literature, but it is classified as a variant of uncertain significance in ClinVar (Variant ID: 412469). This variant is also found in the non-Finnish European population with an allele frequency of 0.0036% (4/111,654 alleles) in the Genome Aggregation Database. The arginine at codon 177 is highly conserved considering 14 species up to bakerâ€™s yeast (Alamut software v2.10.0), and computational analyses predict that this variant affects the structure/function of the SDHB protein (SIFT: damaging, PolyPhen2: probably damaging). Based on the available information, the clinical significance of the p.Arg177Cys variant is uncertain at this time.

Literature cited by the submitters: PubMed 23512077 (cited by Ambry Genetics).

NM_003000.3(SDHB):c.529C>T (p.Arg177Cys)

Gene: SDHB (succinate dehydrogenase complex iron sulfur subunit B; minus strand). Cytogenetic location: 1p36.13.
Variant type: single nucleotide variant.
Coding change: c.529C>T on transcript NM_003000.3 (MANE Select); coding-DNA position 529, C replaced by T.
Protein change: p.Arg177Cys; replaces arginine 177 with cysteine.
Molecular consequence: missense variant.
Genome position (GRCh38, 1-based): chr1:17,027,760, G>A on the plus strand (C>T on the coding strand, the complement: SDHB is on the minus strand). VCF-style: chr1-17027760-G-A. GRCh37 (hg19) VCF-style: chr1-17354255-G-A.
Other names: short protein forms R177C.
Identifiers: ClinVar variation 412469 (VCV000412469.30), dbSNP rs149091125, ClinGen allele CA089640.